The following is an entry in ClinVar:

ClinVar aggregate classification (germline): Likely benign. Review status: criteria provided, multiple submitters, no conflicts (2 of 4 stars). 2 submissions from 2 submitters: Likely benign (2). Last evaluated 2026-05-26.

Conditions:
Gastrointestinal stromal tumor. Also called: Gastrointestinal stromal tumor, somatic; Gastrointestinal stroma tumor. Identifiers: Orphanet 44890, MedGen C0238198, MeSH D046152, MONDO:0011719, OMIM 606764, HP:0100723.

Allele frequency attached by ClinVar (database versions not stated): gnomAD exomes below 0.00001.
gnomAD v4.1: 5 of 1,613,932 alleles (0.00031%); highest among the groups gnomAD compares: East Asian, 0.011%; no homozygotes.

Submissions (2):

Myriad Genetics, Inc.
Classification: Likely benign for Gastrointestinal stromal tumor. Last evaluated: 2026-05-26. Review status: criteria provided, single submitter. Criteria: Myriad Autosomal Dominant, Autosomal Recessive and X-Linked Classification Criteria (2023). Collection method: clinical testing. Allele origin: unknown.
Comment: This variant is considered likely benign. This variant is intronic and is not expected to impact mRNA splicing.

Labcorp Genetics (formerly Invitae), Labcorp
Classification: Likely benign for Gastrointestinal stromal tumor. Last evaluated: 2025-10-15. Review status: criteria provided, single submitter. Criteria: Invitae Variant Classification Sherloc (09022015). Collection method: clinical testing. Allele origin: germline.

NM_000222.3(KIT):c.68-19A>T

Gene: KIT (KIT proto-oncogene, receptor tyrosine kinase; plus strand). Cytogenetic location: 4q12.
Variant type: single nucleotide variant.
Coding change: c.68-19A>T on transcript NM_000222.3 (MANE Select); 19 bases into the intron before coding-DNA position 68, A replaced by T.
Molecular consequence: intron variant.
Genome position (GRCh38, 1-based): chr4:54,695,493, A>T. VCF-style: chr4-54695493-A-T. GRCh37 (hg19) VCF-style: chr4-55561659-A-T.
Other names: c.68-19A>T (NM_001385284.1, NM_001385290.1, NM_001385288.1 and 4 more transcripts).
Identifiers: ClinVar variation 1597540 (VCV001597540.9), dbSNP rs1719993555, ClinGen allele CA1458713435.